The following is an entry in ClinVar:

NM_139057.4(ADAMTS17):c.1474C>T (p.His492Tyr)

Gene: ADAMTS17 (ADAM metallopeptidase with thrombospondin type 1 motif 17; minus strand). Cytogenetic location: 15q26.3.
Variant type: single nucleotide variant.
Coding change: c.1474C>T on transcript NM_139057.4 (MANE Select); coding-DNA position 1474, C replaced by T.
Protein change: p.His492Tyr; replaces histidine 492 with tyrosine.
Molecular consequence: missense variant.
Genome position (GRCh38, 1-based): chr15:100,133,315, G>A on the plus strand (C>T on the coding strand, the complement: ADAMTS17 is on the minus strand). VCF-style: chr15-100133315-G-A. GRCh37 (hg19) VCF-style: chr15-100673520-G-A.
Other names: c.1474C>T (NM_139057.2); short protein forms H492Y.
Identifiers: ClinVar variation 1442514 (VCV001442514.5), dbSNP rs182865620, ClinGen allele CA7758215.

ClinVar aggregate classification (germline): Uncertain significance. Review status: criteria provided, multiple submitters, no conflicts (2 of 4 stars). 2 submissions from 2 submitters: Uncertain significance (2). Last evaluated 2024-11-11.

Conditions:
Inborn genetic diseases. Identifiers: MedGen C0950123, MeSH D030342.

Allele frequency attached by ClinVar (database versions not stated): TOPMed 0.00002; gnomAD exomes 0.00003; ESP Exome Variant Server 0.00008.
gnomAD v4.1: 42 of 1,580,120 alleles (0.0027%); highest among the groups gnomAD compares: Middle Eastern, 0.05%; no homozygotes.

Submissions (2):

Ambry Genetics
Classification: Uncertain significance for Inborn genetic diseases. Last evaluated: 2024-11-11. Review status: criteria provided, single submitter. Criteria: Ambry Variant Classification Scheme 2023. Collection method: clinical testing. Allele origin: germline.

Labcorp Genetics (formerly Invitae), Labcorp
Classification: Uncertain significance. Last evaluated: 2022-10-03. Review status: criteria provided, single submitter. Criteria: Invitae Variant Classification Sherloc (09022015). Collection method: clinical testing. Allele origin: germline.
Comment: This sequence change replaces histidine with tyrosine at codon 492 of the ADAMTS17 protein (p.His492Tyr). The histidine residue is highly conserved and there is a moderate physicochemical difference between histidine and tyrosine. This variant is present in population databases (rs182865620, gnomAD 0.02%). This variant has not been reported in the literature in individuals affected with ADAMTS17-related conditions. ClinVar contains an entry for this variant (Variation ID: 1442514). Algorithms developed to predict the effect of missense changes on protein structure and function are either unavailable or do not agree on the potential impact of this missense change (SIFT: "Not Available"; PolyPhen-2: "Probably Damaging"; Align-GVGD: "Not Available"). In summary, the available evidence is currently insufficient to determine the role of this variant in disease. Therefore, it has been classified as a Variant of Uncertain Significance.